The following is an entry in ClinVar:

ClinVar aggregate classification (germline): Likely pathogenic. Review status: criteria provided, single submitter (1 of 4 stars). 2 submissions from 2 submitters: Likely pathogenic (1). 1 of the submissions does not count toward it. Last evaluated 2021-11-18.

Conditions:
Familial juvenile hyperuricemic nephropathy type 1 (ADTKD1). Also called: Autosomal Dominant Tubulointerstitial Kidney Disease – UMOD; Glomerulocystic kidney disease with hyperuricemia and isosthenuria; Medullary cystic kidney disease 2; UMOD-Associated Kidney Disease; Uromodulin-associated kidney disease. Identifiers: Orphanet 209886, Orphanet 34149, Orphanet 88950, MedGen C4551496, MONDO:0008073, OMIM 162000.
Autosomal dominant medullary cystic kidney disease with or without hyperuricemia. Identifiers: Orphanet 34149, MedGen C4511620, MONDO:0008264.

Submissions (2):

Fulgent Genetics
Classification: Likely pathogenic for Familial juvenile hyperuricemic nephropathy type 1. Last evaluated: 2021-11-18. Review status: criteria provided, single submitter. Criteria: ACMG Guidelines, 2015. Collection method: clinical testing. Allele origin: unknown.

Sydney Genome Diagnostics, Children's Hospital Westmead
Classification: Likely pathogenic for Autosomal dominant medullary cystic kidney disease with or without hyperuricemia. Last evaluated: 2016-09-25. Review status: no assertion criteria provided. Collection method: clinical testing. Allele origin: unknown. Affected: yes. Observed: 1 variant allele, 1 heterozygote. Not counted in ClinVar's aggregate classification.
Comment: This in frame deletion of 3 nucleotides leads to the loss of a single residue p.Ser91 which is located in an EGF-like domain of UMOD involved in calcium binding. This variant has not been reported in any population databases (i.e. ExAC browser, ESP or dbSNP). It is listed in the UMOD mutation catalog as a variant causing Uromodulin Kidney Disease (UKD) however there are no details about the variant or patient.

NM_003361.4(UMOD):c.272_274del (p.Ser91del)

Gene: UMOD (uromodulin; minus strand). Cytogenetic location: 16p12.3.
Variant type: Deletion.
Coding change: c.272_274del on transcript NM_003361.4 (MANE Select); coding-DNA positions 272 to 274, 3 bases deleted (CCT; older notation c.272_274delCCT).
Protein change: p.Ser91del; deletes serine 91.
Molecular consequence: inframe deletion. On other transcripts: non-coding transcript variant (1).
Genome position (GRCh38, 1-based): chr16:20,349,027-20,349,029, AGG deleted on the plus strand (CCT on the coding strand, the reverse complement: UMOD is on the minus strand); deleting any 3 consecutive bases within chr16:20,349,027-20,349,031 gives the same sequence; the c. name uses the placement nearest the transcript's 3' end. VCF-style (leftmost placement, unchanged base first): chr16-20349026-CAGG-C. GRCh37 (hg19) VCF-style: chr16-20360348-CAGG-C.
Other names: c.272_274del, p.Ser91del (NM_001008389.3, NM_001378232.1, NM_001378233.1 and 3 more transcripts); c.371_373del, p.Ser124del (NM_001278614.2); short protein forms S124del, S91del.
Identifiers: ClinVar variation 988176 (VCV000988176.2), dbSNP rs1965755740, ClinGen allele CA2211943407.